The following is an entry in ClinVar:

ClinVar aggregate classification (germline): Conflicting classifications of pathogenicity. Review status: criteria provided, conflicting classifications (1 of 4 stars). 5 submissions from 5 submitters: Uncertain significance (1); Benign (1); Likely benign (3). Last evaluated 2026-01-09.

Conditions:
Retinitis pigmentosa (RP). Identifiers: Orphanet 791, MedGen C0035334, MeSH D012174, MONDO:0019200, OMIM 268000. Inheritance: Autosomal dominant, autosomal recessive and X linked inheritance.

Allele frequency attached by ClinVar (database versions not stated): gnomAD 0.00016 and 0.00020; gnomAD exomes 0.00020 and 0.00047; TOPMed 0.00020; ExAC 0.00110.
gnomAD v4.1: 246 of 1,168,298 alleles (0.021%); highest among the groups gnomAD compares: Middle Eastern, 0.16%; no homozygotes.

Submissions (5):

Labcorp Genetics (formerly Invitae), Labcorp
Classification: Benign. Last evaluated: 2026-01-09. Review status: criteria provided, single submitter. Criteria: Invitae Variant Classification Sherloc (09022015). Collection method: clinical testing. Allele origin: germline.

CeGaT Center for Human Genetics Tuebingen
Classification: Likely benign. Last evaluated: 2025-04-01. Review status: criteria provided, single submitter. Criteria: CeGaT Center For Human Genetics Tuebingen Variant Classification Criteria Version 2. Collection method: clinical testing. Allele origin: germline. Affected: yes. Observed: 2 variant alleles.
Comment: RP2: BP4, BP7, BS2

Blueprint Genetics
Classification: Likely benign. Last evaluated: 2024-10-14. Review status: criteria provided, single submitter. Criteria: ACMG Guidelines, 2015. Collection method: clinical testing. Allele origin: germline.

Illumina Laboratory Services, Illumina
Classification: Likely benign for Retinitis pigmentosa. Last evaluated: 2018-01-13. Review status: criteria provided, single submitter. Criteria: ICSL Variant Classification Criteria 13 December 2019. Collection method: clinical testing. Allele origin: germline.
Comment: This variant was observed in the ICSL laboratory as part of a predisposition screen in an ostensibly healthy population. It had not been previously curated by ICSL or reported in the Human Gene Mutation Database (HGMD: prior to June 1st, 2018), and was therefore a candidate for classification through an automated scoring system. Utilizing variant allele frequency, disease prevalence and penetrance estimates, and inheritance mode, an automated score was calculated to assess if this variant is too frequent to cause the disease. Based on the score and internal cut-off values, a variant classified as likely benign is not then subjected to further curation. The score for this variant resulted in a classification of likely benign for this disease.

Eurofins Ntd Llc (ga)
Classification: Uncertain significance. Last evaluated: 2016-08-18. Review status: criteria provided, single submitter. Criteria: EGL Classification Definitions 2015. Collection method: clinical testing. Allele origin: germline. Observed: 1 variant allele, 1 heterozygote.

NM_006915.3(RP2):c.30G>A (p.Lys10=)

Genes: RP2 (RP2 activator of ARL3 GTPase; plus strand), LOC130068202 (ATAC-STARR-seq lymphoblastoid active region 29577; plus strand). Cytogenetic location: Xp11.3.
Variant type: single nucleotide variant.
Coding change: c.30G>A on transcript NM_006915.3 (MANE Select); coding-DNA position 30, G replaced by A.
Protein change: p.Lys10=; no amino-acid change (lysine 10 retained).
Molecular consequence: synonymous variant.
Genome position (GRCh38, 1-based): chrX:46,837,130, G>A. VCF-style: chrX-46837130-G-A. GRCh37 (hg19) VCF-style: chrX-46696565-G-A.
Identifiers: ClinVar variation 289614 (VCV000289614.41), dbSNP rs782402689, ClinGen allele CA10394161.